The following is an entry in ClinVar:

ClinVar aggregate classification (germline): Likely benign. Review status: criteria provided, multiple submitters, no conflicts (2 of 4 stars). 4 submissions from 4 submitters: Likely benign (4). Last evaluated 2025-09-20.

Conditions:
Charcot-Marie-Tooth disease type 2. Also called: Charcot-Marie-Tooth type 2. Identifiers: Orphanet 64746, MedGen C0270914, MONDO:0018993.
Inborn genetic diseases. Identifiers: MedGen C0950123, MeSH D030342.

Allele frequency attached by ClinVar (database versions not stated): gnomAD exomes 0.00002 and 0.00004; TOPMed 0.00002; ExAC 0.00003; gnomAD 0.00003; ESP Exome Variant Server 0.00008; 1000 Genomes Project 30x 0.00016; 1000 Genomes Project 0.00020.
gnomAD v4.1: 35 of 1,614,160 alleles (0.0022%); highest among the groups gnomAD compares: Middle Eastern, 0.033%; no homozygotes.

Submissions (4):

Labcorp Genetics (formerly Invitae), Labcorp
Classification: Likely benign for Charcot-Marie-Tooth disease type 2. Last evaluated: 2025-09-20. Review status: criteria provided, single submitter. Criteria: Invitae Variant Classification Sherloc (09022015). Collection method: clinical testing. Allele origin: germline.

CeGaT Center for Human Genetics Tuebingen
Classification: Likely benign. Last evaluated: 2022-07-01. Review status: criteria provided, single submitter. Criteria: CeGaT Center For Human Genetics Tuebingen Variant Classification Criteria Version 2. Collection method: clinical testing. Allele origin: germline. Affected: yes. Observed: 1 variant allele.
Comment: MFN2: BP4, BP7

Ambry Genetics
Classification: Likely benign for Inborn genetic diseases. Last evaluated: 2019-07-11. Review status: criteria provided, single submitter. Criteria: Ambry Variant Classification Scheme 2023. Collection method: clinical testing. Allele origin: germline.

GeneDx
Classification: Likely benign. Last evaluated: 2017-05-25. Review status: criteria provided, single submitter. Criteria: GeneDx Variant Classification (06012015). Collection method: clinical testing. Allele origin: germline. Affected: yes.
Comment: This variant is considered likely benign or benign based on one or more of the following criteria: it is a conservative change, it occurs at a poorly conserved position in the protein, it is predicted to be benign by multiple in silico algorithms, and/or has population frequency not consistent with disease.

NM_014874.4(MFN2):c.204C>T (p.Pro68=)

Gene: MFN2 (mitofusin 2; plus strand). Cytogenetic location: 1p36.22.
Variant type: single nucleotide variant.
Coding change: c.204C>T on transcript NM_014874.4 (MANE Select); coding-DNA position 204, C replaced by T.
Protein change: p.Pro68=; no amino-acid change (proline 68 retained).
Molecular consequence: synonymous variant.
Genome position (GRCh38, 1-based): chr1:11,992,583, C>T. VCF-style: chr1-11992583-C-T. GRCh37 (hg19) VCF-style: chr1-12052640-C-T.
Other names: c.204C>T, p.Pro68= (NM_001127660.2).
Identifiers: ClinVar variation 509823 (VCV000509823.34), dbSNP rs148399574, ClinGen allele CA598774.
Genomic context (GRCh38, chr1:11,992,583, plus strand): 5'-CGTGGTGACCCATTTTCAATCCCCACCTCCAGACACGTACAGGAATGCAGAACTGGACCC[C>T]GTTACCACAGAAGAACAGGTTCTGGACGTCAAAGGTTACCTATCCAAAGTGAGAGGCATC-3'
Protein context (NP_055689.1, residues 58-78): EDTYRNAELD[Pro68=]VTTEEQVLDV